The following is an entry in ClinVar:

NM_000642.3(AGL):c.2023C>T (p.Arg675Trp)

Gene: AGL (amylo-alpha-1,6-glucosidase and 4-alpha-glucanotransferase; plus strand). Cytogenetic location: 1p21.2.
Variant type: single nucleotide variant.
Coding change: c.2023C>T on transcript NM_000642.3 (MANE Select); coding-DNA position 2023, C replaced by T.
Protein change: p.Arg675Trp; replaces arginine 675 with tryptophan.
Molecular consequence: missense variant.
Genome position (GRCh38, 1-based): chr1:99,881,313, C>T. VCF-style: chr1-99881313-C-T. GRCh37 (hg19) VCF-style: chr1-100346869-C-T.
Other names: c.2023C>T, p.Arg675Trp (NM_000028.3, NM_000643.3, NM_000644.3 and 2 more transcripts); c.1975C>T, p.Arg659Trp (NM_000646.3); c.1822C>T, p.Arg608Trp (NM_001425327.1); c.1819C>T, p.Arg607Trp (NM_001425328.1, NM_001425329.1); c.1645C>T, p.Arg549Trp (NM_001425332.1); short protein forms R675W, R659W, R549W, R607W, R608W.
Identifiers: ClinVar variation 631558 (VCV000631558.11), dbSNP rs765749454, ClinGen allele CA966678.

ClinVar aggregate classification (germline): Conflicting classifications of pathogenicity. Review status: criteria provided, conflicting classifications (1 of 4 stars). 5 submissions from 5 submitters: Likely pathogenic (1); Uncertain significance (4). Last evaluated 2025-10-29.

Conditions:
Glycogen storage disease type III (GSD3). Also called: FORBES DISEASE; Cori disease. Identifiers: Orphanet 366, MedGen C0017922, MONDO:0009291, OMIM 232400.

Allele frequency attached by ClinVar (database versions not stated): gnomAD exomes below 0.00001; ExAC 0.00001; gnomAD 0.00001; TOPMed 0.00002.
gnomAD v4.1: 4 of 1,613,918 alleles (0.00025%); highest among the groups gnomAD compares: South Asian, 0.0011%; no homozygotes.

Submissions (5):

Myriad Genetics, Inc.
Classification: Uncertain significance for Glycogen storage disease type III. Last evaluated: 2025-10-29. Review status: criteria provided, single submitter. Criteria: Myriad Autosomal Dominant, Autosomal Recessive and X-Linked Classification Criteria (2023). Collection method: clinical testing. Allele origin: unknown.
Comment: NM_000642.2(AGL):c.2023C>T(R675W) is a missense variant classified as a variant of uncertain significance in the context of glycogen storage disease type III. R675W has been observed in cases with relevant disease (PMID: 12442284, 24257475, 34649782). Relevant functional assessments of this variant are available in the literature (PMID: 40593796). R675W has been observed in referenced population frequency databases. In summary, there is insufficient evidence to classify NM_000642.2(AGL):c.2023C>T(R675W) as pathogenic or benign. Please note: this variant was assessed in the context of healthy population screening.

Baylor Genetics
Classification: Likely pathogenic for Glycogen storage disease type III. Last evaluated: 2024-03-15. Review status: criteria provided, single submitter. Criteria: ACMG Guidelines, 2015. Collection method: clinical testing. Allele origin: unknown.

Labcorp Genetics (formerly Invitae), Labcorp
Classification: Uncertain significance for Glycogen storage disease type III. Last evaluated: 2023-11-27. Review status: criteria provided, single submitter. Criteria: Invitae Variant Classification Sherloc (09022015). Collection method: clinical testing. Allele origin: germline.
Comment: This sequence change replaces arginine, which is basic and polar, with tryptophan, which is neutral and slightly polar, at codon 675 of the AGL protein (p.Arg675Trp). This variant is present in population databases (rs765749454, gnomAD 0.002%). This missense change has been observed in individuals with AGL-related conditions (PMID: 12442284, 24257475). ClinVar contains an entry for this variant (Variation ID: 631558). Advanced modeling of protein sequence and biophysical properties (such as structural, functional, and spatial information, amino acid conservation, physicochemical variation, residue mobility, and thermodynamic stability) performed at Invitae indicates that this missense variant is not expected to disrupt AGL protein function with a negative predictive value of 80%. In summary, the available evidence is currently insufficient to determine the role of this variant in disease. Therefore, it has been classified as a Variant of Uncertain Significance.

Genome-Nilou Lab
Classification: Uncertain significance for Glycogen storage disease type III. Last evaluated: 2023-04-11. Review status: criteria provided, single submitter. Criteria: ACMG Guidelines, 2015. Collection method: clinical testing. Allele origin: germline. Affected: no.

Blueprint Genetics
Classification: Uncertain significance. Last evaluated: 2020-10-30. Review status: criteria provided, single submitter. Criteria: ACMG Guidelines, 2015. Collection method: clinical testing. Allele origin: germline.

Literature cited by the submitters: PubMed 12442284 (cited by Myriad Genetics, Inc. and Labcorp Genetics (formerly Invitae), Labcorp); PubMed 24257475 (cited by Myriad Genetics, Inc. and Labcorp Genetics (formerly Invitae), Labcorp); PubMed 34649782 (cited by Myriad Genetics, Inc.); PubMed 40593796 (cited by Myriad Genetics, Inc.).